The following is an entry in ClinVar:

NM_139215.3(TAF15):c.1332_1358del (p.442SGGGYGGDR[1])

Gene: TAF15 (TATA-box binding protein associated factor 15; plus strand). Cytogenetic location: 17q12.
Variant type: Deletion.
Coding change: c.1332_1358del on transcript NM_139215.3 (MANE Select); coding-DNA positions 1332 to 1358, 27 bases deleted (CGGCTATGGTGGAGACAGAAGTGGGGG).
Protein change: p.442SGGGYGGDR[1].
Genome position (GRCh38, 1-based): chr17:35,844,631-35,844,657, CGGCTATGGTGGAGACAGAAGTGGGGG deleted; deleting any 27 consecutive bases within chr17:35,844,620-35,844,657 gives the same sequence; the c. name uses the placement nearest the transcript's 3' end. VCF-style (leftmost placement, unchanged base first): chr17-35844619-TAGAAGTGGGGGCGGCTATGGTGGAGAC-T. GRCh37 (hg19) VCF-style: chr17-34171623-TAGAAGTGGGGGCGGCTATGGTGGAGAC-T.
Other names: c.1323_1349del, p.439SGGGYGGDR[1] (NM_003487.4); c.1332_1358del27 (NM_139215.2); c.1332_1358del (NM_139215.2).
Identifiers: ClinVar variation 3045560 (VCV003045560.3), dbSNP rs749600689, ClinGen allele CA290041277.

ClinVar aggregate classification (germline): Uncertain significance. Review status: criteria provided, single submitter (1 of 4 stars). 2 submissions from 2 submitters: Uncertain significance (1). 1 of the submissions does not count toward it. Last evaluated 2024-03-11.

Conditions:
TAF15-related disorder. Also called: TAF15-related condition.

Submissions (2):

GeneDx
Classification: Uncertain significance. Last evaluated: 2024-03-11. Review status: criteria provided, single submitter. Criteria: GeneDx Variant Classification Process June 2021. Collection method: clinical testing. Allele origin: germline. Affected: yes.
Comment: In-frame deletion of 9 amino acids in a non-repeat region; In silico analysis supports a deleterious effect on protein structure/function; Has not been previously published as pathogenic or benign to our knowledge

PreventionGenetics, part of Exact Sciences
Classification: Likely benign for TAF15-related condition. Last evaluated: 2022-11-07. Review status: no assertion criteria provided. Collection method: clinical testing. Allele origin: germline. Not counted in ClinVar's aggregate classification.
Comment: This variant is classified as likely benign based on ACMG/AMP sequence variant interpretation guidelines (Richards et al. 2015 PMID: 25741868, with internal and published modifications).